The following is an entry in ClinVar:

ClinVar aggregate classification (germline): Uncertain significance. Review status: criteria provided, multiple submitters, no conflicts (2 of 4 stars). 2 submissions from 2 submitters: Uncertain significance (2). Last evaluated 2025-03-20.

Conditions:
Inborn genetic diseases. Identifiers: MedGen C0950123, MeSH D030342.

Allele frequency attached by ClinVar (database versions not stated): ExAC 0.00001; TOPMed 0.00002; gnomAD exomes 0.00003.
gnomAD v4.1: 16 of 1,613,748 alleles (0.00099%); highest among the groups gnomAD compares: Admixed American, 0.023%; no homozygotes.

Submissions (2):

Ambry Genetics
Classification: Uncertain significance for Inborn genetic diseases. Last evaluated: 2025-03-20. Review status: criteria provided, single submitter. Criteria: Ambry Variant Classification Scheme 2023. Collection method: clinical testing. Allele origin: germline.

Labcorp Genetics (formerly Invitae), Labcorp
Classification: Uncertain significance. Last evaluated: 2022-02-22. Review status: criteria provided, single submitter. Criteria: Invitae Variant Classification Sherloc (09022015). Collection method: clinical testing. Allele origin: germline.
Comment: This sequence change replaces glutamine, which is neutral and polar, with leucine, which is neutral and non-polar, at codon 441 of the TRIP4 protein (p.Gln441Leu). This variant is present in population databases (rs760360342, gnomAD 0.02%). This variant has not been reported in the literature in individuals affected with TRIP4-related conditions. Algorithms developed to predict the effect of missense changes on protein structure and function (SIFT, PolyPhen-2, Align-GVGD) all suggest that this variant is likely to be disruptive. In summary, the available evidence is currently insufficient to determine the role of this variant in disease. Therefore, it has been classified as a Variant of Uncertain Significance.

NM_016213.5(TRIP4):c.1322A>T (p.Gln441Leu)

Gene: TRIP4 (thyroid hormone receptor interactor 4; plus strand). Cytogenetic location: 15q22.31.
Variant type: single nucleotide variant.
Coding change: c.1322A>T on transcript NM_016213.5 (MANE Select); coding-DNA position 1322, A replaced by T.
Protein change: p.Gln441Leu; replaces glutamine 441 with leucine.
Molecular consequence: missense variant. On other transcripts: non-coding transcript variant (1).
Genome position (GRCh38, 1-based): chr15:64,418,692, A>T. VCF-style: chr15-64418692-A-T. GRCh37 (hg19) VCF-style: chr15-64710891-A-T.
Other names: c.1322A>T (NM_016213.4); c.632A>T, p.Gln211Leu (NM_001321924.2); short protein forms Q211L, Q441L.
Identifiers: ClinVar variation 2172580 (VCV002172580.2), dbSNP rs760360342, ClinGen allele CA7609616.
Genomic context (GRCh38, chr15:64,418,692, plus strand): 5'-GAATCCAGGATCAAGAATTTCAGGAAGGCTTTGATGGTGGCTGGTGCCTCTCTGTACATC[A>T]GCCCTGGGCTTCTCTGCTTGTCAGAGGGATTAAAAGGTAAGAATAAAAATGAATCTGGGC-3'
Protein context (NP_057297.2, residues 431-451): FDGGWCLSVH[Gln441Leu]PWASLLVRGI